The following is an entry in ClinVar:

NM_004415.4(DSP):c.3049_3050dup (p.Leu1017fs)

Gene: DSP (desmoplakin; plus strand). Cytogenetic location: 6p24.3.
Variant type: Duplication.
Coding change: c.3049_3050dup on transcript NM_004415.4 (MANE Select); coding-DNA positions 3049 to 3050, 2 bases duplicated (TT; older notation c.3049_3050dupTT).
Protein change: p.Leu1017fs; shifts the reading frame from leucine 1017.
Molecular consequence: frameshift variant.
Genome position (GRCh38, 1-based): chr6:7,578,527-7,578,528, TT duplicated. VCF-style (leftmost placement, unchanged base first): chr6-7578526-C-CTT. GRCh37 (hg19) VCF-style: chr6-7578759-C-CTT.
Other names: c.3049_3050dup, p.Leu1017fs (NM_001008844.3, NM_001319034.2); c.3049_3050dup (LRG_423t1); short protein forms L1017fs.
Identifiers: ClinVar variation 199943 (VCV000199943.2), dbSNP rs794728157, ClinGen allele CA303974.

ClinVar aggregate classification (germline): Likely pathogenic (1 of 4 stars; one submission).

Submission:

GeneDx
Classification: Likely pathogenic. Last evaluated: 2016-08-10. Review status: criteria provided, single submitter. Criteria: GeneDx Variant Classification (06012015). Collection method: clinical testing. Allele origin: germline. Affected: yes.
Comment: Although the c.3049_3050dupTT likely pathogenic variant in the DSP gene has not been reported to our knowledge, this variant causes a shift in reading frame starting at codon Leucine 1017, changing it to a Phenylalanine, and creating a premature stop codon at position 2 of the new reading frame, denoted p.Leu1017PhefsX2. This variant is expected to result in either an abnormal, truncated protein product or loss of protein from this allele through nonsense-mediated mRNA decay. Other downstream frameshift variants in the DSP gene have been reported in HGMD in association with cardiomyopathy (Stenson et al., 2014). Furthermore, c.3049_3050dupTTwas not observed in approximately 6,500 individuals of European and African American ancestry in the NHLBI Exome Sequencing Project, indicating it is not a common benign variant in these populations. In summary, c.3049_3050dupTT in the DSP gene is expected to be pathogenic, as loss of function variants in this gene are strongly associated with this phenotype.